The following is an entry in ClinVar:

NM_023110.3(FGFR1):c.1922A>G (p.Asp641Gly)

Gene: FGFR1 (fibroblast growth factor receptor 1; minus strand). Cytogenetic location: 8p11.23.
Variant type: single nucleotide variant.
Coding change: c.1922A>G on transcript NM_023110.3 (MANE Select); coding-DNA position 1922, A replaced by G.
Protein change: p.Asp641Gly; replaces aspartic acid 641 with glycine.
Molecular consequence: missense variant.
Genome position (GRCh38, 1-based): chr8:38,414,834, T>C on the plus strand (A>G on the coding strand, the complement: FGFR1 is on the minus strand). VCF-style: chr8-38414834-T-C. GRCh37 (hg19) VCF-style: chr8-38272352-T-C.
Other names: c.1922A>G, p.Asp641Gly (NM_000604.2); c.1916A>G, p.Asp639Gly (NM_001174063.2, NM_001174065.2, NM_001354367.2 and 1 more transcripts); c.1892A>G, p.Asp631Gly (NM_001174064.2); c.1655A>G, p.Asp552Gly (NM_001174066.2, NM_023105.3); c.2015A>G, p.Asp672Gly (NM_001174067.2); c.1643A>G, p.Asp548Gly (NM_001354368.2); c.1910A>G, p.Asp637Gly (NM_001354369.2, NM_001410922.1); c.1649A>G, p.Asp550Gly (NM_001354370.2, NM_023106.3); short protein forms D548G, D550G, D552G, D631G, D637G, D639G, D641G, D672G.
Identifiers: ClinVar variation 1712486 (VCV001712486.8), dbSNP rs2150562439, ClinGen allele CA370730309.

ClinVar aggregate classification (germline): Conflicting classifications of pathogenicity. Review status: criteria provided, conflicting classifications (1 of 4 stars). 3 submissions from 3 submitters: Pathogenic (2); Uncertain significance (1). Last evaluated 2022-09-20.

Conditions:
Pfeiffer syndrome (ACS5). Also called: ACS V. Identifiers: Orphanet 710, MedGen C0220658, MONDO:0007043, OMIM 101600.
Hypogonadotropic hypogonadism 2 with or without anosmia (HH2). Also called: HYPOGONADOTROPIC HYPOGONADISM 2 WITHOUT ANOSMIA; HYPOGONADOTROPIC HYPOGONADISM 2 WITH OR WITHOUT ANOSMIA, SUSCEPTIBILITY TO; HYPOGONADOTROPIC HYPOGONADISM 2 WITHOUT ANOSMIA, SUSCEPTIBILITY TO; FGFR1-Related GnRH Deficiency (Kallmann Syndrome 2). Identifiers: Orphanet 478, MedGen C1563720, MONDO:0007844, OMIM 147950. Disease mechanism: loss of function.
Hartsfield-Bixler-Demyer syndrome (HRTFDS). Also called: FGFR1-Related Hartsfield Syndrome; Holoprosencephaly, ectrodactyly, and bilateral cleft lip/palate; Hartsfield syndrome. Identifiers: Orphanet 2117, MedGen C1845146, MONDO:0014196, OMIM 615465. Disease mechanism: loss of function.

Submissions (3):

Baylor Genetics
Classification: Pathogenic for Hartsfield-Bixler-Demyer syndrome. Last evaluated: 2022-09-20. Review status: criteria provided, single submitter. Criteria: ACMG Guidelines, 2015. Collection method: clinical testing. Allele origin: unknown.

Labcorp Genetics (formerly Invitae), Labcorp
Classification: Uncertain significance for Pfeiffer syndrome; Hypogonadotropic hypogonadism 2 with or without anosmia. Last evaluated: 2022-05-14. Review status: criteria provided, single submitter. Criteria: Invitae Variant Classification Sherloc (09022015). Collection method: clinical testing. Allele origin: germline.
Comment: In summary, the available evidence is currently insufficient to determine the role of this variant in disease. Therefore, it has been classified as a Variant of Uncertain Significance. Advanced modeling of protein sequence and biophysical properties (such as structural, functional, and spatial information, amino acid conservation, physicochemical variation, residue mobility, and thermodynamic stability) performed at Invitae indicates that this missense variant is expected to disrupt FGFR1 protein function. This variant has not been reported in the literature in individuals affected with FGFR1-related conditions. This variant is not present in population databases (gnomAD no frequency). This sequence change replaces aspartic acid, which is acidic and polar, with glycine, which is neutral and non-polar, at codon 641 of the FGFR1 protein (p.Asp641Gly).

Wangler Lab, Baylor College of Medicine
Classification: Pathogenic for Hartsfield-Bixler-Demyer syndrome. Review status: criteria provided, single submitter. Criteria: ACMG Guidelines, 2015. Collection method: clinical testing. Allele origin: de novo. Inheritance: Autosomal dominant inheritance. Affected: yes. Observed: 1 heterozygote.
Comment: This variant is found in the tyrosine kinase domain of FGFR1, where heterozygous variants associated with Hartsfield syndrome cluster (PMID: 23812909, 26931467) (PM1).An allelic variant (p.D641N) has been previously identified de novo in an individual with FGFR1-related Hartsfield syndrome (PS1). This variant was found to be functionally defective and consistent with the dominant negative mechanism proposed for variants associated with Hartsfield syndrome (PMID: 26931467) (PS3). It has not been observed in gnomAD (PM2).This missense variant is predicted to be deleterious (CADD: 31.000) (PP3), and there is high conservation of this residue. We classify this variant as pathogenic.

Literature cited by the submitters: PubMed 23812909 (cited by Wangler Lab, Baylor College of Medicine); PubMed 26931467 (cited by Wangler Lab, Baylor College of Medicine).